The following is an entry in ClinVar:

ClinVar aggregate classification (germline): Benign. Review status: criteria provided, multiple submitters, no conflicts (2 of 4 stars). 10 submissions from 10 submitters: Benign (9). 1 of the submissions does not count toward it. Last evaluated 2026-02-04.

Conditions:
Hereditary cancer-predisposing syndrome. Also called: Neoplastic Syndromes, Hereditary; Hereditary neoplastic syndrome; Hereditary Cancer Syndrome; Tumor predisposition. Identifiers: Orphanet 140162, MedGen C0027672, MeSH D009386, MONDO:0015356.
Neuroblastoma, susceptibility to, 3. Also called: ALK-Related Neuroblastic Tumor Susceptibility. Identifiers: Orphanet 635, MedGen C2751681, MONDO:0013083, OMIM 613014.
Squamous cell lung carcinoma. Also called: Lung cancer, squamous cell, somatic; Squamous cell carcinoma of lung. Identifiers: MedGen C0149782, MONDO:0005097, HP:0030359.

Allele frequency attached by ClinVar (database versions not stated): 1000 Genomes Project 0.05911; 1000 Genomes Project 30x 0.06059; gnomAD exomes 0.09284 and 0.11012; ExAC 0.09359; TOPMed 0.09777; ESP Exome Variant Server 0.10326; gnomAD 0.10371 and 0.10831.
gnomAD v4.1: 174,522 of 1,598,386 alleles (11%); highest among the groups gnomAD compares: Non-Finnish European, 12%; 10,721 homozygotes.

Submissions (10):

Labcorp Genetics (formerly Invitae), Labcorp
Classification: Benign for Neuroblastoma, susceptibility to, 3. Last evaluated: 2026-02-04. Review status: criteria provided, single submitter. Criteria: Invitae Variant Classification Sherloc (09022015). Collection method: clinical testing. Allele origin: germline.

KCCC/NGS Laboratory, Kuwait Cancer Control Center
Classification: Benign for Neuroblastoma, susceptibility to, 3. Last evaluated: 2023-07-07. Review status: criteria provided, single submitter. Criteria: ACMG Guidelines, 2015. Collection method: clinical testing. Allele origin: germline. Affected: yes.

Mayo Clinic Laboratories, Mayo Clinic
Classification: Benign. Last evaluated: 2021-04-25. Review status: criteria provided, single submitter. Criteria: ACMG Guidelines, 2015. Collection method: clinical testing. Allele origin: germline. Observed: 46 variant alleles.

Illumina Laboratory Services, Illumina
Classification: Benign for Neuroblastoma, susceptibility to, 3. Last evaluated: 2018-01-13. Review status: criteria provided, single submitter. Criteria: ICSL Variant Classification Criteria 13 December 2019. Collection method: clinical testing. Allele origin: germline.
Comment: This variant was observed in the ICSL laboratory as part of a predisposition screen in an ostensibly healthy population. It had not been previously curated by ICSL or reported in the Human Gene Mutation Database (HGMD: prior to June 1st, 2018), and was therefore a candidate for classification through an automated scoring system. Utilizing variant allele frequency, disease prevalence and penetrance estimates, and inheritance mode, an automated score was calculated to assess if this variant is too frequent to cause the disease. Based on the score and internal cut-off values, a variant classified as benign is not then subjected to further curation. The score for this variant resulted in a classification of benign for this disease.

Ambry Genetics
Classification: Benign for Hereditary cancer-predisposing syndrome. Last evaluated: 2016-12-12. Review status: criteria provided, single submitter. Criteria: Ambry Variant Classification Scheme 2023. Collection method: clinical testing. Allele origin: germline.

GeneDx
Classification: Benign. Last evaluated: 2016-06-27. Review status: criteria provided, single submitter. Criteria: GeneDx Variant Classification (06012015). Collection method: clinical testing. Allele origin: germline. Affected: yes.
Comment: This variant is considered likely benign or benign based on one or more of the following criteria: it is a conservative change, it occurs at a poorly conserved position in the protein, it is predicted to be benign by multiple in silico algorithms, and/or has population frequency not consistent with disease.

Women's Health and Genetics/Laboratory Corporation of America, LabCorp
Classification: Benign. Last evaluated: 2016-04-26. Review status: criteria provided, single submitter. Criteria: LabCorp Variant Classification Summary - May 2015. Collection method: clinical testing. Allele origin: germline.
Comment: Variant summary: The c.4338C>T variant affects a non-conserved nucleotide, resulting in a synonymous change. Mutation taster predicts benign outcome for this variant. 5/5 programs in Alamut predict that this variant does not affect normal splicing. ESE finder predicts changes of binding motifs for splicing enhancers. This variant is found in 10961/117122 control chromosomes (649 homozygotes) at a frequency of 0.0935862, which is about 224607 times of the maximal expected frequency of a pathogenic allele (0.0000004), suggesting this variant is benign. The variant of interest has not, to our knowledge, been reported in affected individuals via publications and/or reputable databases/clinical laboratories; nor evaluated for functional impact by in vivo/vitro studies. Taken together, this variant was classified as Benign.

Breakthrough Genomics
Classification: Benign. Review status: criteria provided, single submitter. Criteria: ACMG Guidelines, 2015. Collection method: not provided. Allele origin: germline. Inheritance: Unknown mechanism. Affected: yes.

PreventionGenetics, part of Exact Sciences
Classification: Benign. Review status: criteria provided, single submitter. Criteria: ACMG Guidelines, 2015. Collection method: clinical testing. Allele origin: germline.

Faculté Pluridciplinaire Nador, Université Mohamed Premier
Classification: Likely benign for Squamous Cell Lung Carcinoma. Last evaluated: 2020-05-05. Review status: no assertion criteria provided. Collection method: clinical testing, in vivo. Allele origin: somatic. Affected: yes. Observed: 1 variant allele. Not counted in ClinVar's aggregate classification.

Literature cited by the submitters: DOI 10.3389/fonc.2020.01215 (cited by Faculté Pluridciplinaire Nador, Université Mohamed Premier).

NM_004304.5(ALK):c.4338C>T (p.Thr1446=)

Gene: ALK (ALK receptor tyrosine kinase; minus strand). Cytogenetic location: 2p23.2.
Variant type: single nucleotide variant.
Coding change: c.4338C>T on transcript NM_004304.5 (MANE Select); coding-DNA position 4338, C replaced by T.
Protein change: p.Thr1446=; no amino-acid change (threonine 1446 retained).
Molecular consequence: synonymous variant.
Genome position (GRCh38, 1-based): chr2:29,193,749, G>A on the plus strand (C>T on the coding strand, the complement: ALK is on the minus strand). VCF-style: chr2-29193749-G-A. GRCh37 (hg19) VCF-style: chr2-29416615-G-A.
Other names: p.Thr1446=; c.1134C>T, p.Thr378= (NM_001353765.2).
Identifiers: ClinVar variation 259273 (VCV000259273.21), dbSNP rs56132472, ClinGen allele CA1593596.
Genomic context (GRCh38, chr2:29,193,749, plus strand): 5'-AGGGACTCGAACAGAGATCTCTGCAGCTGTGGGTTTCTTTGCAGCCTTGCCAGAGGAGGT[G>A]GTAGGCAGAGGTGGTGGGGCAGCTGGGCTGCGCTCCTCCTCCCGTTTTGCCTGTTGAGAG-3'
Protein context (NP_004295.2, residues 1436-1456): RSPAAPPPLP[Thr1446=]TSSGKAAKKP